The following is an entry in ClinVar:

ClinVar aggregate classification (germline): Benign/Likely benign. Review status: criteria provided, multiple submitters, no conflicts (2 of 4 stars). 17 submissions from 12 submitters: Benign (7); Likely benign (8). 2 of the submissions do not count toward it. Last evaluated 2025-12-03.

Conditions:
Inborn genetic diseases. Identifiers: MedGen C0950123, MeSH D030342.
Scapuloperoneal spinal muscular atrophy (SPSMA). Also called: Scapuloperoneal spinal muscular atrophy, autosomal dominant; Scapuloperoneal Spinal Muscular Atrophy, TRPV4-Related; AMYOTROPHY, NEUROGENIC SCAPULOPERONEAL, NEW ENGLAND TYPE; Scapuloperoneal Form of Spinal Muscular Atrophy. Identifiers: Orphanet 431255, MedGen C0751335, MONDO:0008408, OMIM 181405.
Brachyrachia (short spine dysplasia) (BCYM3). Also called: BRACHYRACHIA; Autosomal dominant brachyolmia; Brachyolmia, TRPV4-Related; Brachyolmia Type 3. Identifiers: Orphanet 93304, MedGen C0432227, MONDO:0007232, OMIM 113500.
Charcot-Marie-Tooth disease axonal type 2C (HMSN2C). Also called: Charcot-Marie-Tooth Disease Type 2, TRPV4-Related (CMT2C); CHARCOT-MARIE-TOOTH DISEASE, AXONAL, AUTOSOMAL DOMINANT, TYPE 2C; Charcot-Marie-Tooth Neuropathy Type 2C. Identifiers: Orphanet 99937, MedGen C1853710, MONDO:0011633, OMIM 606071.
Charcot-Marie-Tooth disease. Also called: Charcot-Marie-Tooth Neuropathy; Charcot-Marie-Tooth Hereditary Neuropathy. Identifiers: Orphanet 166, MedGen C0007959, MONDO:0015626.
Metatropic dysplasia (MTD). Also called: METATROPIC DWARFISM; Metatropic Dysplasia, TRPV4-Related; Metatropic dysplasia, nonlethal dominant. Identifiers: Orphanet 2635, MedGen C0265281, MONDO:0007986, OMIM 156530.
Spondylometaphyseal dysplasia, Kozlowski type (SMDK). Also called: Dysmorphism arthrogryposis skeletal maturation advanced; Jequier-Kozlowski syndrome; Skeletal dysplasia Jequier-Kozlowski type; SMD Kozlowski type; Spondylometaphyseal Dysplasia, TRPV4-Related (Kozlowski Type). Identifiers: Orphanet 93314, MedGen C0265280, MONDO:0008477, OMIM 184252.
TRPV4-related disorder. Also called: TRPV4-related disorders; TRPV4-related condition.
Neuronopathy, distal hereditary motor, autosomal dominant 8. Also called: NEURONOPATHY, DISTAL HEREDITARY MOTOR, TYPE VIII; NEUROPATHY, DISTAL HEREDITARY MOTOR, TYPE VIII; SPINAL MUSCULAR ATROPHY, CONGENITAL BENIGN, WITH CONTRACTURES; Autosomal dominant congenital benign spinal muscular atrophy. Identifiers: Orphanet 1216, MedGen C1838492, MONDO:0010839, OMIM 600175.

Allele frequency attached by ClinVar (database versions not stated): 1000 Genomes Project 30x 0.00016; ExAC 0.00022; gnomAD exomes 0.00026 and 0.00027; gnomAD 0.00028 and 0.00029; TOPMed 0.00029; ESP Exome Variant Server 0.00031.
gnomAD v4.1: 443 of 1,614,244 alleles (0.027%); highest among the groups gnomAD compares: Middle Eastern, 0.033%; 1 homozygote.

Submissions (17):

Labcorp Genetics (formerly Invitae), Labcorp
Classification: Benign for Charcot-Marie-Tooth disease axonal type 2C. Last evaluated: 2025-12-03. Review status: criteria provided, single submitter. Criteria: Invitae Variant Classification Sherloc (09022015). Collection method: clinical testing. Allele origin: germline.

PreventionGenetics, part of Exact Sciences
Classification: Likely benign for TRPV4-related condition. Last evaluated: 2025-06-12. Review status: criteria provided, single submitter. Criteria: ACMG Guidelines, 2015. Collection method: clinical testing. Allele origin: germline.
Comment: This variant is classified as likely benign based on ACMG/AMP sequence variant interpretation guidelines (Richards et al. 2015 PMID: 25741868, with internal and published modifications).

Blueprint Genetics
Classification: Likely benign. Last evaluated: 2023-11-15. Review status: criteria provided, single submitter. Criteria: ACMG Guidelines, 2015. Collection method: clinical testing. Allele origin: germline.

CeGaT Center for Human Genetics Tuebingen
Classification: Likely benign. Last evaluated: 2023-08-01. Review status: criteria provided, single submitter. Criteria: CeGaT Center For Human Genetics Tuebingen Variant Classification Criteria Version 2. Collection method: clinical testing. Allele origin: germline. Affected: yes. Observed: 4 variant alleles.
Comment: TRPV4: BP4, BP7

GeneDx
Classification: Likely benign. Last evaluated: 2021-03-19. Review status: criteria provided, single submitter. Criteria: GeneDx Variant Classification Process June 2021. Collection method: clinical testing. Allele origin: germline. Affected: yes.

Ambry Genetics
Classification: Likely benign for Inborn genetic diseases. Last evaluated: 2019-07-11. Review status: criteria provided, single submitter. Criteria: Ambry Variant Classification Scheme 2023. Collection method: clinical testing. Allele origin: germline.

ARUP Laboratories, Molecular Genetics and Genomics, ARUP Laboratories
Classification: Benign. Last evaluated: 2019-02-24. Review status: criteria provided, single submitter. Criteria: ARUP Molecular Germline Variant Investigation Process. Collection method: clinical testing. Allele origin: germline.

Illumina Laboratory Services, Illumina
Classification: Benign for Metatropic dysplasia. Last evaluated: 2018-01-13. Review status: criteria provided, single submitter. Criteria: ICSL Variant Classification Criteria 13 December 2019. Collection method: clinical testing. Allele origin: germline.
Comment: This variant was observed in the ICSL laboratory as part of a predisposition screen in an ostensibly healthy population. It had not been previously curated by ICSL or reported in the Human Gene Mutation Database (HGMD: prior to June 1st, 2018), and was therefore a candidate for classification through an automated scoring system. Utilizing variant allele frequency, disease prevalence and penetrance estimates, and inheritance mode, an automated score was calculated to assess if this variant is too frequent to cause the disease. Based on the score and internal cut-off values, a variant classified as benign is not then subjected to further curation. The score for this variant resulted in a classification of benign for this disease.

Illumina Laboratory Services, Illumina
Classification: Benign for Brachyrachia (short spine dysplasia). Last evaluated: 2018-01-13. Review status: criteria provided, single submitter. Criteria: ICSL Variant Classification Criteria 13 December 2019. Collection method: clinical testing. Allele origin: germline.
Comment: the same text as in the submission from Illumina Laboratory Services, Illumina above.

Illumina Laboratory Services, Illumina
Classification: Benign for Spondylometaphyseal dysplasia, Kozlowski type. Last evaluated: 2018-01-13. Review status: criteria provided, single submitter. Criteria: ICSL Variant Classification Criteria 13 December 2019. Collection method: clinical testing. Allele origin: germline.
Comment: the same text as in the submission from Illumina Laboratory Services, Illumina above.

Illumina Laboratory Services, Illumina
Classification: Benign for Neuronopathy, distal hereditary motor, autosomal dominant 8. Last evaluated: 2018-01-13. Review status: criteria provided, single submitter. Criteria: ICSL Variant Classification Criteria 13 December 2019. Collection method: clinical testing. Allele origin: germline.
Comment: the same text as in the submission from Illumina Laboratory Services, Illumina above.

Illumina Laboratory Services, Illumina
Classification: Benign for Scapuloperoneal spinal muscular atrophy. Last evaluated: 2018-01-13. Review status: criteria provided, single submitter. Criteria: ICSL Variant Classification Criteria 13 December 2019. Collection method: clinical testing. Allele origin: germline.
Comment: the same text as in the submission from Illumina Laboratory Services, Illumina above.

Illumina Laboratory Services, Illumina
Classification: Likely benign for Charcot-Marie-Tooth disease axonal type 2C. Last evaluated: 2018-01-13. Review status: criteria provided, single submitter. Criteria: ICSL Variant Classification Criteria 13 December 2019. Collection method: clinical testing. Allele origin: germline.
Comment: This variant was observed in the ICSL laboratory as part of a predisposition screen in an ostensibly healthy population. It had not been previously curated by ICSL or reported in the Human Gene Mutation Database (HGMD: prior to June 1st, 2018), and was therefore a candidate for classification through an automated scoring system. Utilizing variant allele frequency, disease prevalence and penetrance estimates, and inheritance mode, an automated score was calculated to assess if this variant is too frequent to cause the disease. Based on the score and internal cut-off values, a variant classified as likely benign is not then subjected to further curation. The score for this variant resulted in a classification of likely benign for this disease.

Athena Diagnostics
Classification: Likely benign. Last evaluated: 2016-09-01. Review status: criteria provided, single submitter. Criteria: Athena Diagnostics Criteria. Collection method: clinical testing. Allele origin: germline.

Molecular Genetics Laboratory, London Health Sciences Centre
Classification: Likely benign for Charcot-Marie-Tooth disease. Review status: criteria provided, single submitter. Criteria: ACMG Guidelines, 2015. Collection method: clinical testing. Allele origin: germline. Affected: yes.

Clinical Genetics DNA and cytogenetics Diagnostics Lab, Erasmus MC, Erasmus Medical Center
Classification: Likely benign. Review status: no assertion criteria provided. Collection method: clinical testing. Allele origin: germline. Affected: yes. Study: VKGL Data-share Consensus. Not counted in ClinVar's aggregate classification.

Joint Genome Diagnostic Labs from Nijmegen and Maastricht, Radboudumc and MUMC+
Classification: Benign. Review status: no assertion criteria provided. Collection method: clinical testing. Allele origin: germline. Affected: yes. Study: VKGL Data-share Consensus. Not counted in ClinVar's aggregate classification.

NM_021625.5(TRPV4):c.2043C>T (p.Gly681=)

Gene: TRPV4 (transient receptor potential cation channel subfamily V member 4; minus strand). Cytogenetic location: 12q24.11.
Variant type: single nucleotide variant.
Coding change: c.2043C>T on transcript NM_021625.5 (MANE Select); coding-DNA position 2043, C replaced by T.
Protein change: p.Gly681=; no amino-acid change (glycine 681 retained).
Molecular consequence: synonymous variant.
Genome position (GRCh38, 1-based): chr12:109,788,565, G>A on the plus strand (C>T on the coding strand, the complement: TRPV4 is on the minus strand). VCF-style: chr12-109788565-G-A. GRCh37 (hg19) VCF-style: chr12-110226370-G-A.
Other names: c.1902C>T, p.Gly634= (NM_001177428.2); c.1941C>T, p.Gly647= (NM_001177431.2); c.1722C>T, p.Gly574= (NM_001177433.2); c.1863C>T, p.Gly621= (NM_147204.3).
Identifiers: ClinVar variation 307124 (VCV000307124.62), dbSNP rs375633647, ClinGen allele CA6780028.
Genomic context (GRCh38, chr12:109,788,565, plus strand): 5'-GGTCACCAGCAGGATGATGAAGACCACGGGGTACTTGGTGCTGCTCAGCATCTCCAGGTC[G>A]CCCATGCCGATGGTCAGCTTAAACAGGTCCAGGAGGAAGGTGCTGAAGGTCTCGCTGTCA-3'
Protein context (NP_067638.3, residues 671-691): LDLFKLTIGM[Gly681=]DLEMLSSTKY